The following is an entry in ClinVar:

ClinVar aggregate classification (germline): Pathogenic/Likely pathogenic. Review status: criteria provided, multiple submitters, no conflicts (2 of 4 stars). 2 submissions from 2 submitters: Pathogenic (1); Likely pathogenic (1). Last evaluated 2023-01-28.

Conditions:
Maple syrup urine disease (MSUD). Identifiers: Orphanet 511, MedGen C0024776, MeSH D008375, MONDO:0009563. Disease mechanism: loss of function.

Submissions (2):

Baylor Genetics
Classification: Likely pathogenic for Maple syrup urine disease type 1A. Last evaluated: 2023-01-28. Review status: criteria provided, single submitter. Criteria: ACMG Guidelines, 2015. Collection method: clinical testing. Allele origin: unknown.

Labcorp Genetics (formerly Invitae), Labcorp
Classification: Pathogenic for Maple syrup urine disease. Last evaluated: 2022-01-05. Review status: criteria provided, single submitter. Criteria: Invitae Variant Classification Sherloc (09022015). Collection method: clinical testing. Allele origin: germline.
Comment: This variant is not present in population databases (gnomAD no frequency). For these reasons, this variant has been classified as Pathogenic. This variant has not been reported in the literature in individuals affected with BCKDHA-related conditions. This sequence change creates a premature translational stop signal (p.Tyr221*) in the BCKDHA gene. It is expected to result in an absent or disrupted protein product. Loss-of-function variants in BCKDHA are known to be pathogenic (PMID: 16786533, 22593002).

Literature cited by the submitters: PubMed 16786533 (cited by Labcorp Genetics (formerly Invitae), Labcorp); PubMed 22593002 (cited by Labcorp Genetics (formerly Invitae), Labcorp).

NM_000709.4(BCKDHA):c.663del (p.Ala220_Tyr221insTer)

Gene: BCKDHA (branched chain keto acid dehydrogenase E1 subunit alpha; plus strand). Cytogenetic location: 19q13.2.
Variant type: Deletion.
Coding change: c.663del on transcript NM_000709.4 (MANE Select); coding-DNA position 663, one base deleted (C; older notation c.663delC).
Protein change: p.Ala220_Tyr221insTer.
Molecular consequence: nonsense.
Genome position (GRCh38, 1-based): chr19:41,422,180, C deleted. VCF-style (leftmost placement, unchanged base first): chr19-41422179-AC-A. GRCh37 (hg19) VCF-style: chr19-41928084-AC-A.
Other names: c.663del, p.Ala220_Tyr221insTer (NM_001164783.2).
Identifiers: ClinVar variation 1423652 (VCV001423652.7), dbSNP rs2122142757, ClinGen allele CA2573156391.